The following is an entry in ClinVar:

ClinVar aggregate classification (germline): Uncertain significance. Review status: criteria provided, multiple submitters, no conflicts (2 of 4 stars). 2 submissions from 2 submitters: Uncertain significance (2). Last evaluated 2025-08-22.

Conditions:
Cardiovascular phenotype. Identifiers: MedGen CN230736.

Allele frequency attached by ClinVar (database versions not stated): gnomAD exomes 0.00001.

Submissions (2):

Ambry Genetics
Classification: Uncertain significance for Cardiovascular phenotype. Last evaluated: 2025-08-22. Review status: criteria provided, single submitter. Criteria: Ambry Variant Classification Scheme 2023. Collection method: clinical testing. Allele origin: germline.

Labcorp Genetics (formerly Invitae), Labcorp
Classification: Uncertain significance. Last evaluated: 2020-05-12. Review status: criteria provided, single submitter. Criteria: Invitae Variant Classification Sherloc (09022015). Collection method: clinical testing. Allele origin: germline.
Comment: This variant is not present in population databases (ExAC no frequency). This variant has not been reported in the literature in individuals with ABCG8-related conditions. Algorithms developed to predict the effect of missense changes on protein structure and function are either unavailable or do not agree on the potential impact of this missense change (SIFT: "Deleterious"; PolyPhen-2: "Benign"; Align-GVGD: "Class C0"). In summary, the available evidence is currently insufficient to determine the role of this variant in disease. Therefore, it has been classified as a Variant of Uncertain Significance. This sequence change replaces threonine with lysine at codon 305 of the ABCG8 protein (p.Thr305Lys). The threonine residue is moderately conserved and there is a moderate physicochemical difference between threonine and lysine.

NM_022437.3(ABCG8):c.914C>A (p.Thr305Lys)

Gene: ABCG8 (ATP binding cassette subfamily G member 8; plus strand). Cytogenetic location: 2p21.
Variant type: single nucleotide variant.
Coding change: c.914C>A on transcript NM_022437.3 (MANE Select); coding-DNA position 914, C replaced by A.
Protein change: p.Thr305Lys; replaces threonine 305 with lysine.
Molecular consequence: missense variant.
Genome position (GRCh38, 1-based): chr2:43,852,818, C>A. VCF-style: chr2-43852818-C-A. GRCh37 (hg19) VCF-style: chr2-44079957-C-A.
Other names: c.914C>A (NM_022437.2); c.914C>A, p.Thr305Lys (NM_001357321.2); short protein forms T305K.
Identifiers: ClinVar variation 1056131 (VCV001056131.10), dbSNP rs536828373, ClinGen allele CA346666937.